The following is an entry in ClinVar:

NM_014049.5(ACAD9):c.808+18G>A

Gene: ACAD9 (acyl-CoA dehydrogenase family member 9; plus strand). Cytogenetic location: 3q21.3.
Variant type: single nucleotide variant.
Coding change: c.808+18G>A on transcript NM_014049.5 (MANE Select); 18 bases into the intron after coding-DNA position 808, G replaced by A.
Molecular consequence: intron variant.
Genome position (GRCh38, 1-based): chr3:128,899,479, G>A. VCF-style: chr3-128899479-G-A. GRCh37 (hg19) VCF-style: chr3-128618322-G-A.
Identifiers: ClinVar variation 384998 (VCV000384998.6), dbSNP rs371813160, ClinGen allele CA2601273.
Genomic context (GRCh38, chr3:128,899,479, plus strand): 5'-AATGGGAAACCCGAAGATAAATTAGGCATTCGGGGCTCCAACAGTAAGTAGCTCCTGTGC[G>A]CGCGTGCGCGTGTGTGTGTGTAAGGGGGAGACTGGCCTTTGACGGTGTGTGTGTGTGTGT-3'

ClinVar aggregate classification (germline): Likely benign. Review status: criteria provided, multiple submitters, no conflicts (2 of 4 stars). 3 submissions from 3 submitters: Likely benign (3). Last evaluated 2026-01-24.

Allele frequency attached by ClinVar (database versions not stated): ExAC 0.00004; gnomAD exomes 0.00005; gnomAD 0.00007 and 0.00008; ESP Exome Variant Server 0.00008.
gnomAD v4.1: 85 of 1,612,518 alleles (0.0053%); highest among the groups gnomAD compares: African/African-American, 0.02%; no homozygotes.

Submissions (3):

Labcorp Genetics (formerly Invitae), Labcorp
Classification: Likely benign. Last evaluated: 2026-01-24. Review status: criteria provided, single submitter. Criteria: Invitae Variant Classification Sherloc (09022015). Collection method: clinical testing. Allele origin: germline.

Blueprint Genetics
Classification: Likely benign. Last evaluated: 2024-08-09. Review status: criteria provided, single submitter. Criteria: ACMG Guidelines, 2015. Collection method: clinical testing. Allele origin: germline.

GeneDx
Classification: Likely benign. Last evaluated: 2016-04-26. Review status: criteria provided, single submitter. Criteria: GeneDx Variant Classification (06012015). Collection method: clinical testing. Allele origin: germline. Affected: yes.
Comment: This variant is considered likely benign or benign based on one or more of the following criteria: it is a conservative change, it occurs at a poorly conserved position in the protein, it is predicted to be benign by multiple in silico algorithms, and/or has population frequency not consistent with disease.